The following is an entry in ClinVar:

ClinVar aggregate classification (germline): Pathogenic. Review status: reviewed by expert panel (3 of 4 stars). 2 submissions from 2 submitters: Pathogenic (1). 1 of the submissions does not count toward it. Last evaluated 2017-12-15.

Conditions:
Breast-ovarian cancer, familial, susceptibility to, 1 (BROVCA1). Also called: BRCA1 Hereditary Breast and Ovarian Cancer; OVARIAN CANCER, SUSCEPTIBILITY TO. Identifiers: Orphanet 145, MedGen C2676676, MONDO:0011450, OMIM 604370. Disease mechanism: loss of function.
Hereditary cancer-predisposing syndrome. Also called: Tumor predisposition; Hereditary Cancer Syndrome; Neoplastic Syndromes, Hereditary; Hereditary neoplastic syndrome. Identifiers: Orphanet 140162, MedGen C0027672, MeSH D009386, MONDO:0015356.

Allele frequency attached by ClinVar (database versions not stated): TOPMed 0.00001.

Submissions (2):

Evidence-based Network for the Interpretation of Germline Mutant Alleles (ENIGMA)
Classification: Pathogenic for Breast-ovarian cancer, familial, susceptibility to, 1. Last evaluated: 2017-12-15. Review status: reviewed by expert panel. Criteria: ENIGMA BRCA1/2 Classification Criteria (2017-06-29). Collection method: curation. Allele origin: germline. Study: ENIGMA.
Comment: Variant allele predicted to encode a truncated non-functional protein.

Ambry Genetics
Classification: Pathogenic for Hereditary cancer-predisposing syndrome. Last evaluated: 2017-08-09. Review status: criteria provided, single submitter. Criteria: Ambry Autosomal Dominant and X-Linked criteria (3/2017). Collection method: clinical testing. Allele origin: germline. Observed: 1 variant allele. Not counted in ClinVar's aggregate classification.
Comment: This alteration is expected to result in loss of function by premature protein truncation or nonsense-mediatedâ€¯mRNAâ€¯decay.â€¯As such, this alteration is interpreted as a disease-causing mutation.

NM_007294.4(BRCA1):c.4432G>T (p.Glu1478Ter)

Gene: BRCA1 (BRCA1 DNA repair associated; minus strand). Cytogenetic location: 17q21.31.
Variant type: single nucleotide variant.
Coding change: c.4432G>T on transcript NM_007294.4 (MANE Select); coding-DNA position 4432, G replaced by T.
Protein change: p.Glu1478Ter; replaces glutamic acid 1478 with a stop codon.
Molecular consequence: nonsense. On other transcripts: non-coding transcript variant (1).
Genome position (GRCh38, 1-based): chr17:43,076,540, C>A on the plus strand (G>T on the coding strand, the complement: BRCA1 is on the minus strand). VCF-style: chr17-43076540-C-A. GRCh37 (hg19) VCF-style: chr17-41228557-C-A.
Other names: c.4219G>T, p.Glu1407Ter (NM_001407571.1, NM_001407894.1, NM_001407895.1 and 12 more transcripts); c.4498G>T, p.Glu1500Ter (NM_001407581.1, NM_001407582.1); c.4495G>T, p.Glu1499Ter (NM_001407583.1, NM_001407585.1, NM_001407587.1 and 1 more transcripts); c.4492G>T, p.Glu1498Ter (NM_001407590.1, NM_001407591.1); c.4432G>T, p.Glu1478Ter (NM_001407593.1, NM_001407594.1, NM_001407596.1 and 8 more transcripts); c.4429G>T, p.Glu1477Ter (NM_001407610.1, NM_001407621.1, NM_001407622.1 and 17 more transcripts); c.4426G>T, p.Glu1476Ter (NM_001407627.1, NM_001407628.1, NM_001407629.1 and 14 more transcripts); c.4423G>T, p.Glu1475Ter (NM_001407644.1, NM_001407645.1); and 68 more; short protein forms E1478*, E1499*, E1431*, E374*, E1309*, E1388*, E1390*, E1435*.
Identifiers: ClinVar variation 232619 (VCV000232619.5), dbSNP rs876659878, ClinGen allele CA10580519.